The following is an entry in ClinVar:

ClinVar aggregate classification (germline): Pathogenic (1 of 4 stars; one submission).

Conditions:
Glycogen storage disease, type II (IOPD). Also called: Pompe Disease; CARDIOMEGALIA GLYCOGENICA DIFFUSA; GLYCOGENOSIS, GENERALIZED, CARDIAC FORM; GSD II; POMPE DISEASE, INFANTILE-ONSET; GLYCOGEN STORAGE DISEASE II, INFANTILE-ONSET. Identifiers: Orphanet 365, MedGen C0017921, MONDO:0009290, OMIM 232300.

Submission:

Genomenon, Inc
Classification: Pathogenic for Glycogen storage disease, type II. Last evaluated: 2026-07-01. Review status: criteria provided, single submitter. Criteria: Genomenon Sequence Variant Interpretation Standards - Updated. Collection method: curation. Allele origin: germline. Affected: yes.
Comment: GAA p.Gly453AlafsTer23 (c.1358_1361del) is a frameshift variant that is predicted to introduce a premature termination codon and result in a truncated or absent protein product. This variant has been observed in at least one proband with a GAA-related disorder (PMID:31606152). It is absent or not present at a significant frequency in gnomAD. In conclusion, we classify GAA p.Gly453AlafsTer23 (c.1358_1361del) as a pathogenic variant.

Literature cited by the submitters: PubMed 31606152.

NM_000152.5(GAA):c.1358_1361del (p.Gly453fs)

Gene: GAA (alpha glucosidase; plus strand). Cytogenetic location: 17q25.3.
Variant type: Deletion.
Coding change: c.1358_1361del on transcript NM_000152.5 (MANE Select); coding-DNA positions 1358 to 1361, 4 bases deleted (GGAG; older notation c.1358_1361delGGAG).
Protein change: p.Gly453fs; shifts the reading frame from glycine 453.
Molecular consequence: frameshift variant.
Genome position (GRCh38, 1-based): chr17:80,109,976-80,109,979, GGAG deleted; deleting any 4 consecutive bases within chr17:80,109,975-80,109,979 gives the same sequence; the c. name uses the placement nearest the transcript's 3' end. VCF-style (leftmost placement, unchanged base first): chr17-80109974-CGGGA-C. GRCh37 (hg19) VCF-style: chr17-78083773-CGGGA-C.
Other names: c.1358_1361del, p.Gly453fs (NM_001079803.3, NM_001079804.3, NM_001406741.1 and 1 more transcripts); short protein forms G453fs.
Identifiers: ClinVar variation 4876509 (VCV004876509.1).